The following is an entry in ClinVar:

NM_001080508.3(TBX18):c.614G>A (p.Ser205Asn)

Gene: TBX18 (T-box transcription factor 18; minus strand). Cytogenetic location: 6q14.3.
Variant type: single nucleotide variant.
Coding change: c.614G>A on transcript NM_001080508.3 (MANE Select); coding-DNA position 614, G replaced by A.
Protein change: p.Ser205Asn; replaces serine 205 with asparagine.
Molecular consequence: missense variant.
Genome position (GRCh38, 1-based): chr6:84,756,855, C>T on the plus strand (G>A on the coding strand, the complement: TBX18 is on the minus strand). VCF-style: chr6-84756855-C-T. GRCh37 (hg19) VCF-style: chr6-85466573-C-T.
Other names: short protein forms S205N.
Identifiers: ClinVar variation 4538922 (VCV004538922.1).

ClinVar aggregate classification (germline): Uncertain significance (1 of 4 stars; one submission).

gnomAD v4.1: 2 of 1,614,058 alleles (0.00012%); highest among the groups gnomAD compares: Non-Finnish European, 0.00017%; no homozygotes.

Submission:

GeneDx
Classification: Uncertain significance. Last evaluated: 2025-06-17. Review status: criteria provided, single submitter. Criteria: GeneDx Variant Classification Process June 2021. Collection method: clinical testing. Allele origin: germline. Affected: yes.
Comment: Not observed at significant frequency in large population cohorts (gnomAD); In silico analysis suggests that this missense variant does not alter protein structure/function; Has not been previously published as pathogenic or benign to our knowledge